The following is an entry in ClinVar:

NM_015662.3(IFT172):c.886C>T (p.Arg296Trp)

Gene: IFT172 (intraflagellar transport 172; minus strand). Cytogenetic location: 2p23.3.
Variant type: single nucleotide variant.
Coding change: c.886C>T on transcript NM_015662.3 (MANE Select); coding-DNA position 886, C replaced by T.
Protein change: p.Arg296Trp; replaces arginine 296 with tryptophan.
Molecular consequence: missense variant.
Genome position (GRCh38, 1-based): chr2:27,480,049, G>A on the plus strand (C>T on the coding strand, the complement: IFT172 is on the minus strand). VCF-style: chr2-27480049-G-A. GRCh37 (hg19) VCF-style: chr2-27702916-G-A.
Other names: c.886C>T (NM_015662.2); short protein forms R296W.
Identifiers: ClinVar variation 97028 (VCV000097028.16), dbSNP rs145541911, ClinGen allele CA149729.

ClinVar aggregate classification (germline): Conflicting classifications of pathogenicity. Review status: criteria provided, conflicting classifications (1 of 4 stars). 7 submissions from 7 submitters: Uncertain significance (4); Likely benign (1). 2 of the submissions do not count toward it. Last evaluated 2025-12-17.

Conditions:
Short-rib thoracic dysplasia 10 with or without polydactyly (SRTD10). Identifiers: Orphanet 474, MedGen C3810175, MONDO:0014284, OMIM 615630.
Bardet-Biedl syndrome 20. Identifiers: MedGen C4310707, MONDO:0023670, OMIM 619471, MONDO:0014926.
Retinitis pigmentosa 71 (RP71). Identifiers: Orphanet 791, MedGen C4225342, MONDO:0014618, OMIM 616394.
Inborn genetic diseases. Identifiers: MedGen C0950123, MeSH D030342.
Short-rib thoracic dysplasia 10 without polydactyly. Identifiers: MedGen C4017084.
IFT172-related disorder. Also called: IFT172-related disorders; IFT172-related condition.

Allele frequency attached by ClinVar (database versions not stated): gnomAD exomes 0.00004 and 0.00009; ExAC 0.00008; ESP Exome Variant Server 0.00015; gnomAD 0.00028 and 0.00030; 1000 Genomes Project 30x 0.00031; TOPMed 0.00031; 1000 Genomes Project 0.00040.
gnomAD v4.1: 100 of 1,613,890 alleles (0.0062%); highest among the groups gnomAD compares: African/African-American, 0.1%; no homozygotes.

Submissions (7):

Labcorp Genetics (formerly Invitae), Labcorp
Classification: Likely benign for Retinitis pigmentosa 71; Short-rib thoracic dysplasia 10 with or without polydactyly. Last evaluated: 2025-12-17. Review status: criteria provided, single submitter. Criteria: Invitae Variant Classification Sherloc (09022015). Collection method: clinical testing. Allele origin: germline.

GeneDx
Classification: Uncertain significance. Last evaluated: 2024-03-22. Review status: criteria provided, single submitter. Criteria: GeneDx Variant Classification Process June 2021. Collection method: clinical testing. Allele origin: germline.
Comment: In silico analysis supports that this missense variant has a deleterious effect on protein structure/function; This variant is associated with the following publications: (PMID: 28118382, 24140113, 31964843)

Ambry Genetics
Classification: Uncertain significance for Inborn genetic diseases. Last evaluated: 2023-03-24. Review status: criteria provided, single submitter. Criteria: Ambry Variant Classification Scheme 2023. Collection method: clinical testing. Allele origin: germline.

Blueprint Genetics
Classification: Uncertain significance. Last evaluated: 2022-06-27. Review status: criteria provided, single submitter. Criteria: ACMG Guidelines, 2015. Collection method: clinical testing. Allele origin: germline.

Fulgent Genetics
Classification: Uncertain significance for Short-rib thoracic dysplasia 10 with or without polydactyly; Retinitis pigmentosa 71; Bardet-Biedl syndrome 20. Last evaluated: 2022-05-19. Review status: criteria provided, single submitter. Criteria: ACMG Guidelines, 2015. Collection method: clinical testing. Allele origin: unknown.

PreventionGenetics, part of Exact Sciences
Classification: Uncertain significance for IFT172-related condition. Last evaluated: 2024-03-06. Review status: no assertion criteria provided. Collection method: clinical testing. Allele origin: germline. Not counted in ClinVar's aggregate classification.
Comment: The IFT172 c.886C>T variant is predicted to result in the amino acid substitution p.Arg296Trp. This variant was reported in the homozygous state in an individual with Mainzer-Saldino syndrome; however, no additional functional or familial segregation studies confirmed the pathogenicity of this change (Halbritter et al. 2013. PubMed ID: 24140113). This variant has an allele frequency up to ~0.1% in some populations, which is higher than expected for a fully penetrant IFT172 variant. At this time, the clinical significance of this variant is uncertain due to the absence of conclusive functional and genetic evidence.

OMIM
Classification: Pathogenic for SHORT-RIB THORACIC DYSPLASIA 10 WITHOUT POLYDACTYLY. Last evaluated: 2013-11-07. Review status: no assertion criteria provided. Collection method: literature only. Allele origin: germline. Not counted in ClinVar's aggregate classification.

Literature cited by the submitters: PubMed 24140113 (cited by Ambry Genetics and OMIM).